The following is an entry in ClinVar:

NM_000302.4(PLOD1):c.905C>A (p.Ser302Tyr)

Gene: PLOD1 (procollagen-lysine,2-oxoglutarate 5-dioxygenase 1; plus strand). Cytogenetic location: 1p36.22.
Variant type: single nucleotide variant.
Coding change: c.905C>A on transcript NM_000302.4 (MANE Select); coding-DNA position 905, C replaced by A.
Protein change: p.Ser302Tyr; replaces serine 302 with tyrosine.
Molecular consequence: missense variant.
Genome position (GRCh38, 1-based): chr1:11,958,577, C>A. VCF-style: chr1-11958577-C-A. GRCh37 (hg19) VCF-style: chr1-12018634-C-A.
Other names: c.1046C>A, p.Ser349Tyr (NM_001316320.2); short protein forms S302Y, S349Y.
Identifiers: ClinVar variation 529363 (VCV000529363.14), dbSNP rs565765056, ClinGen allele CA598193.

ClinVar aggregate classification (germline): Conflicting classifications of pathogenicity. Review status: criteria provided, conflicting classifications (1 of 4 stars). 5 submissions from 5 submitters: Uncertain significance (2); Likely benign (3). Last evaluated 2026-01-16.

Conditions:
Familial thoracic aortic aneurysm and aortic dissection (TAAD). Also called: Thoracic aortic aneurysms and dissections. Identifiers: Orphanet 91387, MedGen C4707243, MONDO:0019625.
PLOD1-related disorder. Also called: PLOD1-related condition.
Ehlers-Danlos syndrome, kyphoscoliotic type 1 (EDSKSCL1). Also called: PLOD1-Related Kyphoscoliotic Ehlers-Danlos Syndrome; Ehlers-Danlos syndrome, hydroxylysine-deficient; EHLERS-DANLOS SYNDROME, TYPE VIA; EHLERS-DANLOS SYNDROME, OCULAR-SCOLIOTIC TYPE. Identifiers: Orphanet 1900, MedGen C0268342, MONDO:0016002, OMIM 225400. Disease mechanism: loss of function.

Allele frequency attached by ClinVar (database versions not stated): TOPMed 0.00002; gnomAD exomes 0.00019 and 0.00045; ExAC 0.00052; 1000 Genomes Project 0.00140; 1000 Genomes Project 30x 0.00141.
gnomAD v4.1: 285 of 1,614,088 alleles (0.018%); highest among the groups gnomAD compares: South Asian, 0.3%; 3 homozygotes.

Submissions (5):

PreventionGenetics, part of Exact Sciences
Classification: Likely benign for PLOD1-related condition. Last evaluated: 2026-01-16. Review status: criteria provided, single submitter. Criteria: ACMG Guidelines, 2015. Collection method: clinical testing. Allele origin: germline.
Comment: This variant is classified as likely benign based on ACMG/AMP sequence variant interpretation guidelines (Richards et al. 2015 PMID: 25741868, with internal and published modifications).

Labcorp Genetics (formerly Invitae), Labcorp
Classification: Likely benign for Ehlers-Danlos syndrome, kyphoscoliotic type 1. Last evaluated: 2025-09-05. Review status: criteria provided, single submitter. Criteria: Invitae Variant Classification Sherloc (09022015). Collection method: clinical testing. Allele origin: germline.

Ambry Genetics
Classification: Likely benign for Familial thoracic aortic aneurysm and aortic dissection. Last evaluated: 2025-04-04. Review status: criteria provided, single submitter. Criteria: Ambry Variant Classification Scheme 2023. Collection method: clinical testing. Allele origin: germline.

Women's Health and Genetics/Laboratory Corporation of America, LabCorp
Classification: Uncertain significance. Last evaluated: 2023-07-21. Review status: criteria provided, single submitter. Criteria: LabCorp Variant Classification Summary - May 2015. Collection method: clinical testing. Allele origin: germline.

Neuberg Centre For Genomic Medicine, NCGM
Classification: Uncertain significance for Ehlers-Danlos syndrome, kyphoscoliotic type 1. Review status: criteria provided, single submitter. Criteria: ACMG Guidelines, 2015. Collection method: clinical testing. Allele origin: germline. Inheritance: Autosomal recessive inheritance. Affected: yes.
Comment: The observed missense c.905C>A(p.Ser302Tyr) variant in PLOD1 gene has not been reported previously as a pathogenic variant nor as a benign variant, to our knowledge. This variant is present with an allele frequency of 0.04% in gnomAD Exomes database. This variant has been reported to the ClinVar database as Likely benign,but no details are available for independent assessment. The amino acid change p.Ser302Tyr in PLOD1 is predicted as conserved by GERP++ and PhyloP across 100 vertebrates. The amino acid Ser at position 302 is changed to a Tyr changing protein sequence and it might alter its composition and physico-chemical properties. Computational evidence (Polyphen - Benign, SIFT - Damaging and MutationTaster - Polymorphism) predicts conflicting evidence on protein structure and function for this variant. For these reasons, this variant has been classified as Variant of Uncertain Significance (VUS).